The following is an entry in ClinVar:

ClinVar aggregate classification (germline): Likely pathogenic. Review status: criteria provided, multiple submitters, no conflicts (2 of 4 stars). 2 submissions from 2 submitters: Likely pathogenic (2). Last evaluated 2023-12-17.

Conditions:
Pituitary adenoma 5, multiple types. Identifiers: MedGen C4539685, MONDO:0054601, OMIM 617540.

Allele frequency attached by ClinVar (database versions not stated): gnomAD exomes below 0.00001.
gnomAD v4.1: 2 of 1,613,700 alleles (0.00012%); highest among the groups gnomAD compares: East Asian, 0.0022%; no homozygotes.

Submissions (2):

Baylor Genetics
Classification: Likely pathogenic for Pituitary adenoma 5, multiple types. Last evaluated: 2023-12-17. Review status: criteria provided, single submitter. Criteria: ACMG Guidelines, 2015. Collection method: clinical testing. Allele origin: unknown.

Labcorp Genetics (formerly Invitae), Labcorp
Classification: Likely pathogenic. Last evaluated: 2023-09-20. Review status: criteria provided, single submitter. Criteria: Invitae Variant Classification Sherloc (09022015). Collection method: clinical testing. Allele origin: germline.
Comment: In summary, the currently available evidence indicates that the variant is pathogenic, but additional data are needed to prove that conclusively. Therefore, this variant has been classified as Likely Pathogenic. Algorithms developed to predict the effect of sequence changes on RNA splicing suggest that this variant may disrupt the consensus splice site. This variant has not been reported in the literature in individuals affected with CDH23-related conditions. This variant is not present in population databases (gnomAD no frequency). This sequence change affects an acceptor splice site in intron 58 of the CDH23 gene. It is expected to disrupt RNA splicing. Variants that disrupt the donor or acceptor splice site typically lead to a loss of protein function (PMID: 16199547), and loss-of-function variants in CDH23 are known to be pathogenic (PMID: 11138009, 21940737).

Literature cited by the submitters: PubMed 16199547 (cited by Labcorp Genetics (formerly Invitae), Labcorp); PubMed 11138009 (cited by Labcorp Genetics (formerly Invitae), Labcorp); PubMed 21940737 (cited by Labcorp Genetics (formerly Invitae), Labcorp).

NM_022124.6(CDH23):c.8309-1G>A

Gene: CDH23 (cadherin related 23; plus strand). Cytogenetic location: 10q22.1.
Variant type: single nucleotide variant.
Coding change: c.8309-1G>A on transcript NM_022124.6 (MANE Select); the canonical splice acceptor site of the intron before coding-DNA position 8309, G replaced by A.
Molecular consequence: splice acceptor variant.
Genome position (GRCh38, 1-based): chr10:71,807,515, G>A. VCF-style: chr10-71807515-G-A. GRCh37 (hg19) VCF-style: chr10-73567272-G-A.
Other names: c.1589-1G>A (NM_001171933.1, NM_001171934.1).
Identifiers: ClinVar variation 2680497 (VCV002680497.5), dbSNP rs2132988609, ClinGen allele CA377131281.